The following is an entry in ClinVar:

NM_001283009.2(RTEL1):c.1068G>C (p.Gln356His)

Genes: RTEL1 (regulator of telomere elongation helicase 1; plus strand), RTEL1-TNFRSF6B (RTEL1-TNFRSF6B readthrough (NMD candidate); plus strand). Cytogenetic location: 20q13.33.
Variant type: single nucleotide variant.
Coding change: c.1068G>C on transcript NM_001283009.2 (MANE Select); coding-DNA position 1068, G replaced by C.
Protein change: p.Gln356His; replaces glutamine 356 with histidine.
Molecular consequence: missense variant. On other transcripts: non-coding transcript variant (1).
Genome position (GRCh38, 1-based): chr20:63,679,879, G>C. VCF-style: chr20-63679879-G-C. GRCh37 (hg19) VCF-style: chr20-62311232-G-C.
Other names: c.399G>C, p.Gln133His (NM_001283010.1); c.1068G>C, p.Gln356His (NM_016434.4); c.1140G>C, p.Gln380His (NM_032957.5); short protein forms Q356H, Q380H, Q133H.
Identifiers: ClinVar variation 2930701 (VCV002930701.3), dbSNP rs1253481396, ClinGen allele CA409673825.

ClinVar aggregate classification (germline): Uncertain significance (1 of 4 stars; one submission).

Conditions:
Dyskeratosis congenita, autosomal recessive 5 (DKCB5). Identifiers: MedGen C3554656, MONDO:0014076, OMIM 615190.
Pulmonary fibrosis and/or bone marrow failure, Telomere-related, 3. Also called: PULMONARY FIBROSIS AND/OR BONE MARROW FAILURE SYNDROME, TELOMERE-RELATED, 3. Identifiers: Orphanet 2032, MedGen C4225346, MONDO:0014613, OMIM 616373.

Allele frequency attached by ClinVar (database versions not stated): TOPMed 0.00001.

Submission:

Labcorp Genetics (formerly Invitae), Labcorp
Classification: Uncertain significance for Dyskeratosis congenita, autosomal recessive 5; Pulmonary fibrosis and/or bone marrow failure, Telomere-related, 3. Last evaluated: 2023-10-09. Review status: criteria provided, single submitter. Criteria: Invitae Variant Classification Sherloc (09022015). Collection method: clinical testing. Allele origin: germline.
Comment: This sequence change replaces glutamine, which is neutral and polar, with histidine, which is basic and polar, at codon 356 of the RTEL1 protein (p.Gln356His). This variant is not present in population databases (gnomAD no frequency). This variant has not been reported in the literature in individuals affected with RTEL1-related conditions. Algorithms developed to predict the effect of missense changes on protein structure and function output the following: SIFT: "Not Available"; PolyPhen-2: "Benign"; Align-GVGD: "Not Available". The histidine amino acid residue is found in multiple mammalian species, which suggests that this missense change does not adversely affect protein function. In summary, the available evidence is currently insufficient to determine the role of this variant in disease. Therefore, it has been classified as a Variant of Uncertain Significance.